The following is an entry in ClinVar:

ClinVar aggregate classification (germline): Uncertain significance. Review status: criteria provided, multiple submitters, no conflicts (2 of 4 stars). 2 submissions from 2 submitters: Uncertain significance (2). Last evaluated 2024-04-23.

Conditions:
Inborn genetic diseases. Identifiers: MedGen C0950123, MeSH D030342.

Allele frequency attached by ClinVar (database versions not stated): TOPMed below 0.00001; gnomAD exomes 0.00001.

Submissions (2):

Ambry Genetics
Classification: Uncertain significance for Inborn genetic diseases. Last evaluated: 2024-04-23. Review status: criteria provided, single submitter. Criteria: Ambry Variant Classification Scheme 2023. Collection method: clinical testing. Allele origin: germline.

Labcorp Genetics (formerly Invitae), Labcorp
Classification: Uncertain significance. Last evaluated: 2023-09-13. Review status: criteria provided, single submitter. Criteria: Invitae Variant Classification Sherloc (09022015). Collection method: clinical testing. Allele origin: germline.
Comment: This sequence change replaces alanine, which is neutral and non-polar, with threonine, which is neutral and polar, at codon 293 of the CCDC8 protein (p.Ala293Thr). This variant is present in population databases (no rsID available, gnomAD 0.01%). This variant has not been reported in the literature in individuals affected with CCDC8-related conditions. ClinVar contains an entry for this variant (Variation ID: 1448899). An algorithm developed to predict the effect of missense changes on protein structure and function (PolyPhen-2) suggests that this variant is likely to be disruptive. In summary, the available evidence is currently insufficient to determine the role of this variant in disease. Therefore, it has been classified as a Variant of Uncertain Significance.

NM_032040.5(CCDC8):c.877G>A (p.Ala293Thr)

Gene: CCDC8 (coiled-coil domain containing 8; minus strand). Cytogenetic location: 19q13.32.
Variant type: single nucleotide variant.
Coding change: c.877G>A on transcript NM_032040.5 (MANE Select); coding-DNA position 877, G replaced by A.
Protein change: p.Ala293Thr; replaces alanine 293 with threonine.
Molecular consequence: missense variant.
Genome position (GRCh38, 1-based): chr19:46,411,934, C>T on the plus strand (G>A on the coding strand, the complement: CCDC8 is on the minus strand). VCF-style: chr19-46411934-C-T. GRCh37 (hg19) VCF-style: chr19-46915191-C-T.
Other names: c.877G>A (NM_032040.3); short protein forms A293T.
Identifiers: ClinVar variation 1448899 (VCV001448899.6), dbSNP rs1467759103, ClinGen allele CA406460713.